The following is an entry in ClinVar:

NM_000562.3(C8A):c.316+8G>A

Gene: C8A (complement C8 alpha chain; plus strand). Cytogenetic location: 1p32.2.
Variant type: single nucleotide variant.
Coding change: c.316+8G>A on transcript NM_000562.3 (MANE Select); 8 bases into the intron after coding-DNA position 316, G replaced by A.
Molecular consequence: intron variant.
Genome position (GRCh38, 1-based): chr1:56,875,101, G>A. VCF-style: chr1-56875101-G-A. GRCh37 (hg19) VCF-style: chr1-57340774-G-A.
Other names: p.?.
Identifiers: ClinVar variation 786758 (VCV000786758.13), dbSNP rs116251949, ClinGen allele CA874985.

ClinVar aggregate classification (germline): Benign/Likely benign. Review status: criteria provided, multiple submitters, no conflicts (2 of 4 stars). 3 submissions from 3 submitters: Benign (2); Likely benign (1). Last evaluated 2026-01-22.

Allele frequency attached by ClinVar (database versions not stated): gnomAD exomes 0.00057 and 0.00165; ExAC 0.00215; gnomAD 0.00643 and 0.00690; 1000 Genomes Project 0.00659; TOPMed 0.00713; 1000 Genomes Project 30x 0.00765; ESP Exome Variant Server 0.00784.
gnomAD v4.1: 1,869 of 1,612,920 alleles (0.12%); highest among the groups gnomAD compares: African/African-American, 2.2%; 31 homozygotes.

Submissions (3):

Labcorp Genetics (formerly Invitae), Labcorp
Classification: Benign. Last evaluated: 2026-01-22. Review status: criteria provided, single submitter. Criteria: Invitae Variant Classification Sherloc (09022015). Collection method: clinical testing. Allele origin: germline.

Women's Health and Genetics/Laboratory Corporation of America, LabCorp
Classification: Likely benign. Last evaluated: 2026-01-22. Review status: criteria provided, single submitter. Criteria: LabCorp Variant Classification Summary - May 2015. Collection method: clinical testing. Allele origin: germline.

Mayo Clinic Laboratories, Mayo Clinic
Classification: Benign. Last evaluated: 2025-01-23. Review status: criteria provided, single submitter. Criteria: ACMG Guidelines, 2015. Collection method: clinical testing. Allele origin: germline. Observed: 2 variant alleles.
Comment: BS1, BS2, BP4, BP7